The following is an entry in ClinVar:

ClinVar aggregate classification (germline): Uncertain significance. Review status: criteria provided, multiple submitters, no conflicts (2 of 4 stars). 2 submissions from 2 submitters: Uncertain significance (2). Last evaluated 2025-10-18.

Conditions:
PLXNA3-related disorder. Also called: PLXNA3-related condition.

Allele frequency attached by ClinVar (database versions not stated): gnomAD exomes below 0.00001; gnomAD 0.00003; TOPMed 0.00003.
gnomAD v4.1: 8 of 1,209,407 alleles (0.00066%); highest among the groups gnomAD compares: Admixed American, 0.0022%; no homozygotes.

Submissions (2):

Ambry Genetics
Classification: Uncertain significance. Last evaluated: 2025-10-18. Review status: criteria provided, single submitter. Criteria: Ambry Variant Classification Scheme 2023. Collection method: clinical testing. Allele origin: germline.

PreventionGenetics, part of Exact Sciences
Classification: Uncertain significance for PLXNA3-related condition. Last evaluated: 2025-04-29. Review status: criteria provided, single submitter. Criteria: ACMG Guidelines, 2015. Collection method: clinical testing. Allele origin: germline.
Comment: The PLXNA3 c.166C>G variant is predicted to result in the amino acid substitution p.Leu56Val. To our knowledge, this variant has not been reported in the literature. This variant is reported in 0.0033% of alleles in individuals of European (Non-Finnish) descent in gnomAD. At this time, the clinical significance of this variant is uncertain due to the absence of conclusive functional and genetic evidence.

NM_017514.5(PLXNA3):c.166C>G (p.Leu56Val)

Gene: PLXNA3 (plexin A3; plus strand). Cytogenetic location: Xq28.
Variant type: single nucleotide variant.
Coding change: c.166C>G on transcript NM_017514.5 (MANE Select); coding-DNA position 166, C replaced by G.
Protein change: p.Leu56Val; replaces leucine 56 with valine.
Molecular consequence: missense variant.
Genome position (GRCh38, 1-based): chrX:154,460,349, C>G. VCF-style: chrX-154460349-C-G. GRCh37 (hg19) VCF-style: chrX-153688689-C-G.
Other names: c.166C>G (NM_017514.3); short protein forms L56V.
Identifiers: ClinVar variation 2629248 (VCV002629248.5), dbSNP rs1237660233, ClinGen allele CA415226177.